The following is an entry in ClinVar:

ClinVar aggregate classification (germline): Uncertain significance. Review status: criteria provided, multiple submitters, no conflicts (2 of 4 stars). 5 submissions from 5 submitters: Uncertain significance (5). Last evaluated 2025-08-01.

Conditions:
Inborn genetic diseases. Identifiers: MedGen C0950123, MeSH D030342.
Spastic ataxia 2. Also called: Ataxia, spastic, 2, autosomal recessive. Identifiers: Orphanet 397946, MedGen C1969796, MONDO:0012651, OMIM 611302.

Allele frequency attached by ClinVar (database versions not stated): gnomAD exomes 0.00006 and 0.00009; ExAC 0.00007; gnomAD 0.00007 and 0.00008; ESP Exome Variant Server 0.00008; TOPMed 0.00009.
gnomAD v4.1: 144 of 1,610,288 alleles (0.0089%); highest among the groups gnomAD compares: Non-Finnish European, 0.012%; no homozygotes.

Submissions (5):

CeGaT Center for Human Genetics Tuebingen
Classification: Uncertain significance. Last evaluated: 2025-08-01. Review status: criteria provided, single submitter. Criteria: CeGaT Center For Human Genetics Tuebingen Variant Classification Criteria Version 2. Collection method: clinical testing. Allele origin: germline. Affected: yes. Observed: 1 variant allele.
Comment: KIF1C: PM2

Mayo Clinic Laboratories, Mayo Clinic
Classification: Uncertain significance. Last evaluated: 2024-10-15. Review status: criteria provided, single submitter. Criteria: ACMG Guidelines, 2015. Collection method: clinical testing. Allele origin: germline. Observed: 1 variant allele.

Labcorp Genetics (formerly Invitae), Labcorp
Classification: Uncertain significance for Spastic ataxia 2. Last evaluated: 2022-07-19. Review status: criteria provided, single submitter. Criteria: Invitae Variant Classification Sherloc (09022015). Collection method: clinical testing. Allele origin: germline.
Comment: This sequence change replaces isoleucine, which is neutral and non-polar, with methionine, which is neutral and non-polar, at codon 451 of the KIF1C protein (p.Ile451Met). This variant is present in population databases (rs374100485, gnomAD 0.01%). This variant has not been reported in the literature in individuals affected with KIF1C-related conditions. ClinVar contains an entry for this variant (Variation ID: 841377). Algorithms developed to predict the effect of missense changes on protein structure and function are either unavailable or do not agree on the potential impact of this missense change (SIFT: "Deleterious"; PolyPhen-2: "Possibly Damaging"; Align-GVGD: "Class C0"). In summary, the available evidence is currently insufficient to determine the role of this variant in disease. Therefore, it has been classified as a Variant of Uncertain Significance.

Ambry Genetics
Classification: Uncertain significance for Inborn genetic diseases. Last evaluated: 2021-10-29. Review status: criteria provided, single submitter. Criteria: Ambry Variant Classification Scheme 2023. Collection method: clinical testing. Allele origin: germline.

GeneDx
Classification: Uncertain significance. Last evaluated: 2019-12-30. Review status: criteria provided, single submitter. Criteria: GeneDx Variant Classification Process June 2021. Collection method: clinical testing. Allele origin: germline. Affected: yes.
Comment: Not observed at a significant frequency in large population cohorts (Lek et al., 2016); In silico analysis, which includes protein predictors and evolutionary conservation, supports a deleterious effect; Has not been previously published as pathogenic or benign to our knowledge

NM_006612.6(KIF1C):c.1353A>G (p.Ile451Met)

Gene: KIF1C (kinesin family member 1C; plus strand). Cytogenetic location: 17p13.2.
Variant type: single nucleotide variant.
Coding change: c.1353A>G on transcript NM_006612.6 (MANE Select); coding-DNA position 1353, A replaced by G.
Protein change: p.Ile451Met; replaces isoleucine 451 with methionine.
Molecular consequence: missense variant.
Genome position (GRCh38, 1-based): chr17:5,007,280, A>G. VCF-style: chr17-5007280-A-G. GRCh37 (hg19) VCF-style: chr17-4910575-A-G.
Other names: p.Ile451Met; short protein forms I451M.
Identifiers: ClinVar variation 841377 (VCV000841377.17), dbSNP rs374100485, ClinGen allele CA8318949.